The following is an entry in ClinVar:

NM_001244008.2(KIF1A):c.4076C>A (p.Thr1359Asn)

Gene: KIF1A (kinesin family member 1A; minus strand). Cytogenetic location: 2q37.3.
Variant type: single nucleotide variant.
Coding change: c.4076C>A on transcript NM_001244008.2 (MANE Select); coding-DNA position 4076, C replaced by A.
Protein change: p.Thr1359Asn; replaces threonine 1359 with asparagine.
Molecular consequence: missense variant.
Genome position (GRCh38, 1-based): chr2:240,726,872, G>T on the plus strand (C>A on the coding strand, the complement: KIF1A is on the minus strand). VCF-style: chr2-240726872-G-T. GRCh37 (hg19) VCF-style: chr2-241666289-G-T.
Other names: c.3800C>A, p.Thr1267Asn (NM_001320705.2, NM_001379649.1); c.3827C>A, p.Thr1276Asn (NM_001330289.2); c.3875C>A, p.Thr1292Asn (NM_001330290.2, NM_001379648.1); c.4151C>A, p.Thr1384Asn (NM_001379631.1); c.4052C>A, p.Thr1351Asn (NM_001379632.1); c.4049C>A, p.Thr1350Asn (NM_001379633.1, NM_001379645.1); c.3902C>A, p.Thr1301Asn (NM_001379634.1); c.3899C>A, p.Thr1300Asn (NM_001379635.1, NM_001379646.1); and 7 more; short protein forms T1266N, T1275N, T1292N, T1301N, T1257N, T1300N, T1258N, T1276N.
Identifiers: ClinVar variation 2952197 (VCV002952197.3), dbSNP rs2536810425, ClinGen allele CA351309234.

ClinVar aggregate classification (germline): Uncertain significance (1 of 4 stars; one submission).

Conditions:
Neuropathy, hereditary sensory, type 2C. Also called: KIF1A-Related HSAN2 (HSAN2C); Hereditary sensory and autonomic neuropathy type IIC. Identifiers: Orphanet 970, MedGen C3280168, MONDO:0013634, OMIM 614213.
Hereditary spastic paraplegia 30. Identifiers: Orphanet 101010, MedGen C5235139, MONDO:0012476.
Intellectual disability, autosomal dominant 9 (NESCAVS). Also called: NESCAV SYNDROME; KIF1A-Related Neurodevelopmental Disorder. Identifiers: Orphanet 662367, MedGen C5393830, MONDO:0013656, OMIM 614255.

Submission:

Labcorp Genetics (formerly Invitae), Labcorp
Classification: Uncertain significance for Hereditary spastic paraplegia 30; Neuropathy, hereditary sensory, type 2C; Intellectual disability, autosomal dominant 9. Last evaluated: 2023-12-11. Review status: criteria provided, single submitter. Criteria: Invitae Variant Classification Sherloc (09022015). Collection method: clinical testing. Allele origin: germline.
Comment: This sequence change replaces threonine, which is neutral and polar, with asparagine, which is neutral and polar, at codon 1258 of the KIF1A protein (p.Thr1258Asn). This variant is not present in population databases (gnomAD no frequency). This variant has not been reported in the literature in individuals affected with KIF1A-related conditions. Advanced modeling of protein sequence and biophysical properties (such as structural, functional, and spatial information, amino acid conservation, physicochemical variation, residue mobility, and thermodynamic stability) performed at Invitae indicates that this missense variant is not expected to disrupt KIF1A protein function with a negative predictive value of 95%. In summary, the available evidence is currently insufficient to determine the role of this variant in disease. Therefore, it has been classified as a Variant of Uncertain Significance.